The following is an entry in ClinVar:

ClinVar aggregate classification (germline): Likely benign (1 of 4 stars; one submission).

Conditions:
Tuberous sclerosis 1 (TSC1). Identifiers: Orphanet 805, MedGen C1854465, MONDO:0008612, OMIM 191100.

Submission:

Myriad Genetics, Inc.
Classification: Likely benign for Tuberous sclerosis 1. Last evaluated: 2025-04-29. Review status: criteria provided, single submitter. Criteria: Myriad Autosomal Dominant, Autosomal Recessive and X-Linked Classification Criteria (2023). Collection method: clinical testing. Allele origin: unknown.
Comment: This variant is considered likely benign. This variant is intronic and is not expected to impact mRNA splicing.

NM_000368.5(TSC1):c.2976-13G>T

Gene: TSC1 (TSC complex subunit 1; minus strand). Cytogenetic location: 9q34.13.
Variant type: single nucleotide variant.
Coding change: c.2976-13G>T on transcript NM_000368.5 (MANE Select); 13 bases into the intron before coding-DNA position 2976, G replaced by T.
Molecular consequence: intron variant.
Genome position (GRCh38, 1-based): chr9:132,896,767, C>A on the plus strand (G>T on the coding strand, the complement: TSC1 is on the minus strand). VCF-style: chr9-132896767-C-A. GRCh37 (hg19) VCF-style: chr9-135772154-C-A.
Other names: c.2571-13G>T (NM_001406624.1); c.2613-13G>T (NM_001406616.1, NM_001406615.1, NM_001406618.1 and 4 more transcripts); c.2610-13G>T (NM_001406623.1, NM_001406620.1, NM_001406621.1 and 1 more transcripts); c.2973-13G>T (NM_001406599.1, NM_001406597.1, NM_001406600.1 and 2 more transcripts); c.2976-13G>T (NM_001406594.1, NM_001406592.1, NM_001406595.1 and 2 more transcripts); c.2568-13G>T (NM_001406625.1); c.2778-13G>T (NM_001406613.1); c.2820-13G>T (NM_001406612.1, NM_001406611.1); and 8 more.
Identifiers: ClinVar variation 4071118 (VCV004071118.1).